The following is an entry in ClinVar:

ClinVar aggregate classification (germline): Pathogenic (1 of 4 stars; one submission).

Conditions:
Primary ciliary dyskinesia. Also called: Ciliary dyskinesia. Identifiers: Orphanet 244, MedGen C0008780, MONDO:0016575, HP:0012265.

Submission:

Labcorp Genetics (formerly Invitae), Labcorp
Classification: Pathogenic for Primary ciliary dyskinesia. Last evaluated: 2023-09-10. Review status: criteria provided, single submitter. Criteria: Invitae Variant Classification Sherloc (09022015). Collection method: clinical testing. Allele origin: germline.
Comment: This sequence change creates a premature translational stop signal (p.Lys4484Cysfs*6) in the DNAH11 gene. While this is not anticipated to result in nonsense mediated decay, it is expected to disrupt the last 33 amino acid(s) of the DNAH11 protein. This variant is not present in population databases (gnomAD no frequency). This variant has not been reported in the literature in individuals affected with DNAH11-related conditions. This variant disrupts a region of the DNAH11 protein in which other variant(s) (p.Trp4505Serfs*10) have been determined to be pathogenic (Invitae). This suggests that this is a clinically significant region of the protein, and that variants that disrupt it are likely to be disease-causing. For these reasons, this variant has been classified as Pathogenic.

NM_001277115.2(DNAH11):c.13439_13449dup (p.Lys4484fs)

Genes: CDCA7L (cell division cycle associated 7 like; minus strand), DNAH11 (dynein axonemal heavy chain 11; plus strand). Cytogenetic location: 7p15.3.
Variant type: Duplication.
Coding change: c.13439_13449dup on transcript NM_001277115.2 (MANE Select); coding-DNA positions 13439 to 13449, 11 bases duplicated (TGTATAGAACC).
Protein change: p.Lys4484fs; shifts the reading frame from lysine 4484.
Molecular consequence: frameshift variant. On other transcripts: 3 prime UTR variant (3).
Genome position (GRCh38, 1-based): chr7:21,901,142-21,901,152, TGTATAGAACC duplicated. VCF-style (leftmost placement, unchanged base first): chr7-21901141-G-GTGTATAGAACC. GRCh37 (hg19) VCF-style: chr7-21940759-G-GTGTATAGAACC.
Other names: c.*1170_*1180dup (NM_001127370.3, NM_001127371.3, NM_018719.5); short protein forms K4484fs.
Identifiers: ClinVar variation 2759706 (VCV002759706.3), dbSNP rs2534165348, ClinGen allele CA2697557175.